The following is an entry in ClinVar:

NM_000182.5(HADHA):c.1885+2T>G

Genes: GAREM2 (GRB2 associated regulator of MAPK1 subtype 2; plus strand), HADHA (hydroxyacyl-CoA dehydrogenase trifunctional multienzyme complex subunit alpha; minus strand). Cytogenetic location: 2p23.3.
Variant type: single nucleotide variant.
Coding change: c.1885+2T>G on transcript NM_000182.5 (MANE Select); the canonical splice donor site of the intron after coding-DNA position 1885, T replaced by G.
Molecular consequence: splice donor variant.
Genome position (GRCh38, 1-based): chr2:26,193,575, A>C on the plus strand (T>G on the coding strand, the complement: HADHA is on the minus strand). VCF-style: chr2-26193575-A-C. GRCh37 (hg19) VCF-style: chr2-26416444-A-C.
Identifiers: ClinVar variation 4081701 (VCV004081701.1).

ClinVar aggregate classification (germline): Likely pathogenic (1 of 4 stars; one submission).

Conditions:
Long chain 3-hydroxyacyl-CoA dehydrogenase deficiency. Also called: Deficiency of long-chain 3-hydroxyacyl-coenzyme A dehydrogenase; LCHAD Deficiency. Identifiers: Orphanet 5, MedGen C3711645, MONDO:0012173, OMIM 609016.

Submission:

Myriad Genetics, Inc.
Classification: Likely pathogenic for Long chain 3-hydroxyacyl-CoA dehydrogenase deficiency. Last evaluated: 2025-05-19. Review status: criteria provided, single submitter. Criteria: Myriad Autosomal Dominant, Autosomal Recessive and X-Linked Classification Criteria (2023). Collection method: clinical testing. Allele origin: unknown.
Comment: NM_000182.4(HADHA):c.1885+2T>G is a variant in a canonical splice site classified as likely pathogenic in the context of HADHA-related disorders. c.1885+2T>G has not been observed in cases with relevant disease. Relevant functional assessments of this variant are not available in the literature. c.1885+2T>G has not been observed in referenced population frequency databases. In summary, NM_000182.4(HADHA):c.1885+2T>G is a variant in a canonical splice site in a gene where loss of function is a known mechanism of disease and is predicted to disrupt protein function. Please note: this variant was assessed in the context of healthy population screening.